The following is an entry in ClinVar:

NM_144773.4(PROKR2):c.465C>T (p.Leu155=)

Gene: PROKR2 (prokineticin receptor 2; minus strand). Cytogenetic location: 20p12.3.
Variant type: single nucleotide variant.
Coding change: c.465C>T on transcript NM_144773.4 (MANE Select); coding-DNA position 465, C replaced by T.
Protein change: p.Leu155=; no amino-acid change (leucine 155 retained).
Molecular consequence: synonymous variant.
Genome position (GRCh38, 1-based): chr20:5,302,730, G>A on the plus strand (C>T on the coding strand, the complement: PROKR2 is on the minus strand). VCF-style: chr20-5302730-G-A. GRCh37 (hg19) VCF-style: chr20-5283376-G-A.
Identifiers: ClinVar variation 338859 (VCV000338859.23), dbSNP rs3746684, ClinGen allele CA9754337.

ClinVar aggregate classification (germline): Benign. Review status: criteria provided, multiple submitters, no conflicts (2 of 4 stars). 10 submissions from 10 submitters: Benign (8). 2 of the submissions do not count toward it. Last evaluated 2026-05-08.

Conditions:
Hypogonadotropic hypogonadism 3 with or without anosmia (HH3). Also called: PROKR2-Related GnRH Deficiency (Kallmann Syndrome 3); HYPOGONADOTROPIC HYPOGONADISM 3 WITH ANOSMIA. Identifiers: Orphanet 478, MedGen C3550478, MONDO:0009482, OMIM 244200.

Allele frequency attached by ClinVar (database versions not stated): gnomAD exomes 0.39240 and 0.39717; ExAC 0.39802; gnomAD 0.40371 and 0.40625; ESP Exome Variant Server 0.40927; TOPMed 0.41155; 1000 Genomes Project 0.44649; 1000 Genomes Project 30x 0.44800.
gnomAD v4.1: 634,032 of 1,610,316 alleles (39%); highest among the groups gnomAD compares: East Asian, 49%; 126,237 homozygotes.

Submissions (10):

Women's Health and Genetics/Laboratory Corporation of America, LabCorp
Classification: Benign. Last evaluated: 2026-05-08. Review status: criteria provided, single submitter. Criteria: LabCorp Variant Classification Summary - May 2015. Collection method: clinical testing. Allele origin: germline.

Labcorp Genetics (formerly Invitae), Labcorp
Classification: Benign. Last evaluated: 2026-02-04. Review status: criteria provided, single submitter. Criteria: Invitae Variant Classification Sherloc (09022015). Collection method: clinical testing. Allele origin: germline.

Blueprint Genetics
Classification: Benign. Last evaluated: 2024-11-28. Review status: criteria provided, single submitter. Criteria: ACMG Guidelines, 2015. Collection method: clinical testing. Allele origin: germline.

Genome-Nilou Lab
Classification: Benign for Hypogonadotropic hypogonadism 3 with or without anosmia. Last evaluated: 2021-10-25. Review status: criteria provided, single submitter. Criteria: ACMG Guidelines, 2015. Collection method: clinical testing. Allele origin: germline. Affected: no.

Illumina Laboratory Services, Illumina
Classification: Benign for Hypogonadotropic hypogonadism 3 with or without anosmia. Last evaluated: 2018-01-13. Review status: criteria provided, single submitter. Criteria: ICSL Variant Classification Criteria 13 December 2019. Collection method: clinical testing. Allele origin: germline.
Comment: This variant was observed in the ICSL laboratory as part of a predisposition screen in an ostensibly healthy population. It had not been previously curated by ICSL or reported in the Human Gene Mutation Database (HGMD: prior to June 1st, 2018), and was therefore a candidate for classification through an automated scoring system. Utilizing variant allele frequency, disease prevalence and penetrance estimates, and inheritance mode, an automated score was calculated to assess if this variant is too frequent to cause the disease. Based on the score and internal cut-off values, a variant classified as benign is not then subjected to further curation. The score for this variant resulted in a classification of benign for this disease.

Athena Diagnostics
Classification: Benign for Hypogonadotropic hypogonadism 3 with or without anosmia. Last evaluated: 2017-06-27. Review status: criteria provided, single submitter. Criteria: Athena Diagnostics Criteria. Collection method: clinical testing. Allele origin: germline.

GeneDx
Classification: Benign. Last evaluated: 2015-03-03. Review status: criteria provided, single submitter. Criteria: GeneDx Variant Classification Process June 2021. Collection method: clinical testing. Allele origin: germline. Affected: yes.

Breakthrough Genomics
Classification: Benign. Review status: criteria provided, single submitter. Criteria: ACMG Guidelines, 2015. Collection method: not provided. Allele origin: germline. Inheritance: Autosomal dominant inheritance. Affected: yes.

Clinical Genetics, Academic Medical Center
Classification: Benign. Review status: no assertion criteria provided. Collection method: clinical testing. Allele origin: germline. Affected: yes. Study: VKGL Data-share Consensus. Not counted in ClinVar's aggregate classification.

Joint Genome Diagnostic Labs from Nijmegen and Maastricht, Radboudumc and MUMC+
Classification: Benign. Review status: no assertion criteria provided. Collection method: clinical testing. Allele origin: germline. Affected: yes. Study: VKGL Data-share Consensus. Not counted in ClinVar's aggregate classification.